The following is an entry in ClinVar:

NM_001927.4(DES):c.188C>T (p.Ala63Val)

Gene: DES (desmin; plus strand). Cytogenetic location: 2q35.
Variant type: single nucleotide variant.
Coding change: c.188C>T on transcript NM_001927.4 (MANE Select); coding-DNA position 188, C replaced by T.
Protein change: p.Ala63Val; replaces alanine 63 with valine.
Molecular consequence: missense variant.
Genome position (GRCh38, 1-based): chr2:219,418,650, C>T. VCF-style: chr2-219418650-C-T. GRCh37 (hg19) VCF-style: chr2-220283372-C-T.
Other names: c.188C>T, p.Ala63Val (NM_001382708.1, NM_001382709.1, NM_001382710.1 and 3 more transcripts); short protein forms A63V.
Identifiers: ClinVar variation 2952114 (VCV002952114.3), dbSNP rs1345937895, ClinGen allele CA350683763.

ClinVar aggregate classification (germline): Uncertain significance (1 of 4 stars; one submission).

Conditions:
Desmin-related myofibrillar myopathy (MFM1). Also called: MYOFIBRILLAR MYOPATHY WITH ARRHYTHMOGENIC RIGHT VENTRICULAR CARDIOMYOPATHY; DESMIN-RELATED MYOPATHY WITH ARRHYTHMOGENIC RIGHT VENTRICULAR CARDIOMYOPATHY; Desminopathy; Desmin related myopathy (former name); Desmin storage myopathy (former name); Myofibrillar myopathy 1. Identifiers: Orphanet 363543, Orphanet 98909, MedGen C1832370, MONDO:0011076, OMIM 601419.

Submission:

Labcorp Genetics (formerly Invitae), Labcorp
Classification: Uncertain significance for Desmin-related myofibrillar myopathy. Last evaluated: 2023-09-21. Review status: criteria provided, single submitter. Criteria: Invitae Variant Classification Sherloc (09022015). Collection method: clinical testing. Allele origin: germline.
Comment: In summary, the available evidence is currently insufficient to determine the role of this variant in disease. Therefore, it has been classified as a Variant of Uncertain Significance. Advanced modeling of protein sequence and biophysical properties (such as structural, functional, and spatial information, amino acid conservation, physicochemical variation, residue mobility, and thermodynamic stability) has been performed at Invitae for this missense variant, however the output from this modeling did not meet the statistical confidence thresholds required to predict the impact of this variant on DES protein function. This variant has not been reported in the literature in individuals affected with DES-related conditions. This variant is not present in population databases (gnomAD no frequency). This sequence change replaces alanine, which is neutral and non-polar, with valine, which is neutral and non-polar, at codon 63 of the DES protein (p.Ala63Val).